The following is an entry in ClinVar:

ClinVar aggregate classification (germline): Uncertain significance. Review status: criteria provided, multiple submitters, no conflicts (2 of 4 stars). 3 submissions from 3 submitters: Uncertain significance (3). Last evaluated 2024-03-06.

Conditions:
Hereditary cancer-predisposing syndrome. Also called: Tumor predisposition; Hereditary neoplastic syndrome; Hereditary Cancer Syndrome; Neoplastic Syndromes, Hereditary. Identifiers: Orphanet 140162, MedGen C0027672, MeSH D009386, MONDO:0015356.
Familial cancer of breast. Also called: BREAST CANCER, FAMILIAL; Hereditary breast cancer; hereditary breast carcinoma. Identifiers: Orphanet 227535, MedGen C0346153, MONDO:0016419, OMIM 114480. Disease mechanism: loss of function.
Fanconi anemia complementation group J. Also called: BRIP1-Related Fanconi Anemia. Identifiers: Orphanet 84, MedGen C1836860, MONDO:0012187, OMIM 609054.

Submissions (3):

Color Diagnostics, LLC DBA Color Health
Classification: Uncertain significance for Hereditary cancer-predisposing syndrome. Last evaluated: 2024-03-06. Review status: criteria provided, single submitter. Criteria: ACMG Guidelines, 2015. Collection method: clinical testing. Allele origin: germline.
Comment: This missense variant replaces lysine with methionine at codon 1194 of the BRIP1 protein. Computational prediction suggests that this variant may not impact protein structure and function (internally defined REVEL score threshold <= 0.5, PMID: 27666373). To our knowledge, functional studies have not been reported for this variant. This variant has not been reported in individuals affected with hereditary cancer in the literature. This variant has not been identified in the general population by the Genome Aggregation Database (gnomAD). The available evidence is insufficient to determine the role of this variant in disease conclusively. Therefore, this variant is classified as a Variant of Uncertain Significance.

Blueprint Genetics
Classification: Uncertain significance. Last evaluated: 2023-10-23. Review status: criteria provided, single submitter. Criteria: ACMG Guidelines, 2015. Collection method: clinical testing. Allele origin: germline.

Labcorp Genetics (formerly Invitae), Labcorp
Classification: Uncertain significance for Familial cancer of breast; Fanconi anemia complementation group J. Last evaluated: 2021-09-01. Review status: criteria provided, single submitter. Criteria: Invitae Variant Classification Sherloc (09022015). Collection method: clinical testing. Allele origin: germline.
Comment: This sequence change replaces lysine with methionine at codon 1194 of the BRIP1 protein (p.Lys1194Met). The lysine residue is weakly conserved and there is a moderate physicochemical difference between lysine and methionine. This variant is not present in population databases (ExAC no frequency). This variant has not been reported in the literature in individuals affected with BRIP1-related conditions. Algorithms developed to predict the effect of missense changes on protein structure and function are either unavailable or do not agree on the potential impact of this missense change (SIFT: "Tolerated"; PolyPhen-2: "Possibly Damaging"; Align-GVGD: "Class C0"). In summary, the available evidence is currently insufficient to determine the role of this variant in disease. Therefore, it has been classified as a Variant of Uncertain Significance.

NM_032043.3(BRIP1):c.3581A>T (p.Lys1194Met)

Gene: BRIP1 (BRCA1 interacting DNA helicase 1; minus strand). Cytogenetic location: 17q23.2.
Variant type: single nucleotide variant.
Coding change: c.3581A>T on transcript NM_032043.3 (MANE Select); coding-DNA position 3581, A replaced by T.
Protein change: p.Lys1194Met; replaces lysine 1194 with methionine.
Molecular consequence: missense variant.
Genome position (GRCh38, 1-based): chr17:61,683,465, T>A on the plus strand (A>T on the coding strand, the complement: BRIP1 is on the minus strand). VCF-style: chr17-61683465-T-A. GRCh37 (hg19) VCF-style: chr17-59760826-T-A.
Other names: short protein forms K1194M.
Identifiers: ClinVar variation 1491320 (VCV001491320.9), dbSNP rs2144071092, ClinGen allele CA400478165.